The following is an entry in ClinVar:

ClinVar aggregate classification (germline): Uncertain significance (1 of 4 stars; one submission).

Allele frequency attached by ClinVar (database versions not stated): ExAC 0.00003; gnomAD 0.00003; gnomAD exomes 0.00003; TOPMed 0.00004; 1000 Genomes Project 30x 0.00016; 1000 Genomes Project 0.00020.
gnomAD v4.1: 40 of 1,612,814 alleles (0.0025%); highest among the groups gnomAD compares: Non-Finnish European, 0.003%; no homozygotes.

Submission:

Labcorp Genetics (formerly Invitae), Labcorp
Classification: Uncertain significance. Last evaluated: 2025-10-21. Review status: criteria provided, single submitter. Criteria: Invitae Variant Classification Sherloc (09022015). Collection method: clinical testing. Allele origin: germline.
Comment: This sequence change replaces arginine, which is basic and polar, with cysteine, which is neutral and slightly polar, at codon 75 of the KANK2 protein (p.Arg75Cys). This variant is present in population databases (rs563907455, gnomAD 0.003%). This variant has not been reported in the literature in individuals affected with KANK2-related conditions. ClinVar contains an entry for this variant (Variation ID: 2141179). An algorithm developed to predict the effect of missense changes on protein structure and function (PolyPhen-2) suggests that this variant is likely to be disruptive. In summary, the available evidence is currently insufficient to determine the role of this variant in disease. Therefore, it has been classified as a Variant of Uncertain Significance.

NM_001136191.3(KANK2):c.223C>T (p.Arg75Cys)

Gene: KANK2 (KN motif and ankyrin repeat domains 2; minus strand). Cytogenetic location: 19p13.2.
Variant type: single nucleotide variant.
Coding change: c.223C>T on transcript NM_001136191.3 (MANE Select); coding-DNA position 223, C replaced by T.
Protein change: p.Arg75Cys; replaces arginine 75 with cysteine.
Molecular consequence: missense variant.
Genome position (GRCh38, 1-based): chr19:11,193,857, G>A on the plus strand (C>T on the coding strand, the complement: KANK2 is on the minus strand). VCF-style: chr19-11193857-G-A. GRCh37 (hg19) VCF-style: chr19-11304533-G-A.
Other names: c.223C>T, p.Arg75Cys (NM_001329451.2, NM_001379548.1, NM_001379549.1 and 15 more transcripts); short protein forms R75C.
Identifiers: ClinVar variation 2141179 (VCV002141179.4), dbSNP rs563907455, ClinGen allele CA9206124.